The following is an entry in ClinVar:

ClinVar aggregate classification (germline): Benign (1 of 4 stars; one submission).

Submission:

GeneDx
Classification: Benign. Last evaluated: 2018-06-18. Review status: criteria provided, single submitter. Criteria: GeneDx Variant Classification (06012015). Collection method: clinical testing. Allele origin: germline. Affected: yes.
Comment: This variant is considered likely benign or benign based on one or more of the following criteria: it is a conservative change, it occurs at a poorly conserved position in the protein, it is predicted to be benign by multiple in silico algorithms, and/or has population frequency not consistent with disease.

NM_001958.5(EEF1A2):c.772+314ATCC[3]

Gene: EEF1A2 (eukaryotic translation elongation factor 1 alpha 2; minus strand). Cytogenetic location: 20q13.33.
Variant type: Microsatellite.
Coding change: c.772+314ATCC[3] on transcript NM_001958.5 (MANE Select); three copies in a row of the 4-base unit ATCC starting at c.772+314; the reference has two copies in a row; one copy, 4 bases duplicated.
Molecular consequence: intron variant.
Genome position (GRCh38, 1-based): chr20:63,492,816-63,492,819, GGAT duplicated on the plus strand (ATCC on the coding strand, the reverse complement: EEF1A2 is on the minus strand); duplicating any 4 consecutive bases within chr20:63,492,816-63,492,825 gives the same sequence; the position shown is the placement nearest the transcript's 3' end. VCF-style (leftmost placement, unchanged base first): chr20-63492815-A-AGGAT. GRCh37 (hg19) VCF-style: chr20-62124168-A-AGGAT.
Identifiers: ClinVar variation 668131 (VCV000668131.1), dbSNP rs55702383, ClinGen allele CA317439671.